The following is an entry in ClinVar:

ClinVar aggregate classification (germline): Uncertain significance. Review status: criteria provided, multiple submitters, no conflicts (2 of 4 stars). 2 submissions from 2 submitters: Uncertain significance (2). Last evaluated 2026-02-05.

Allele frequency attached by ClinVar (database versions not stated): gnomAD exomes below 0.00001; TOPMed 0.00002.
gnomAD v4.1: 1 of 1,613,128 alleles (0.000062%); highest among the groups gnomAD compares: Non-Finnish European, 0.000085%; no homozygotes.

Submissions (2):

GeneDx
Classification: Uncertain significance. Last evaluated: 2026-02-05. Review status: criteria provided, single submitter. Criteria: GeneDx Variant Classification Process June 2021. Collection method: clinical testing. Allele origin: germline.
Comment: Not observed at significant frequency in large population cohorts (gnomAD); In silico analysis suggests that this missense variant does not alter protein structure/function; Has not been previously published as pathogenic or benign to our knowledge

Labcorp Genetics (formerly Invitae), Labcorp
Classification: Uncertain significance. Last evaluated: 2022-11-22. Review status: criteria provided, single submitter. Criteria: Invitae Variant Classification Sherloc (09022015). Collection method: clinical testing. Allele origin: germline.
Comment: In summary, the available evidence is currently insufficient to determine the role of this variant in disease. Therefore, it has been classified as a Variant of Uncertain Significance. Algorithms developed to predict the effect of missense changes on protein structure and function are either unavailable or do not agree on the potential impact of this missense change (SIFT: "Deleterious"; PolyPhen-2: "Possibly Damaging"; Align-GVGD: "Class C0"). ClinVar contains an entry for this variant (Variation ID: 1369214). This variant has not been reported in the literature in individuals affected with WHRN-related conditions. This variant is not present in population databases (gnomAD no frequency). This sequence change replaces isoleucine, which is neutral and non-polar, with methionine, which is neutral and non-polar, at codon 233 of the WHRN protein (p.Ile233Met).

NM_015404.4(WHRN):c.699C>G (p.Ile233Met)

Gene: WHRN (whirlin; minus strand). Cytogenetic location: 9q32.
Variant type: single nucleotide variant.
Coding change: c.699C>G on transcript NM_015404.4 (MANE Select); coding-DNA position 699, C replaced by G.
Protein change: p.Ile233Met; replaces isoleucine 233 with methionine.
Molecular consequence: missense variant. On other transcripts: 5 prime UTR variant (1).
Genome position (GRCh38, 1-based): chr9:114,478,691, G>C on the plus strand (C>G on the coding strand, the complement: WHRN is on the minus strand). VCF-style: chr9-114478691-G-C. GRCh37 (hg19) VCF-style: chr9-117240971-G-C.
Other names: c.699C>G, p.Ile233Met (NM_001173425.2); c.699C>G (NM_015404.2); c.-451C>G (NM_001083885.3); short protein forms I233M.
Identifiers: ClinVar variation 1369214 (VCV001369214.5), dbSNP rs1441658113, ClinGen allele CA374621992.